The following is an entry in ClinVar:

ClinVar aggregate classification (germline): Uncertain significance. Review status: criteria provided, single submitter (1 of 4 stars). 2 submissions from 2 submitters: Uncertain significance (1). 1 of the submissions does not count toward it. Last evaluated 2023-11-27.

Conditions:
Neu-Laxova syndrome 2. Identifiers: Orphanet 2671, Orphanet 583602, MedGen C4015019, MONDO:0014466, OMIM 616038.

gnomAD v4.1: 1 of 1,613,684 alleles (0.000062%); highest among the groups gnomAD compares: Admixed American, 0.0017%; no homozygotes.

Submissions (2):

Labcorp Genetics (formerly Invitae), Labcorp
Classification: Uncertain significance for Neu-Laxova syndrome 2. Last evaluated: 2023-11-27. Review status: criteria provided, single submitter. Criteria: Invitae Variant Classification Sherloc (09022015). Collection method: clinical testing. Allele origin: germline.
Comment: This sequence change replaces lysine, which is basic and polar, with asparagine, which is neutral and polar, at codon 116 of the PSAT1 protein (p.Lys116Asn). This variant is present in population databases (rs41277897, gnomAD 0.003%). This variant has not been reported in the literature in individuals affected with PSAT1-related conditions. ClinVar contains an entry for this variant (Variation ID: 976987). Advanced modeling of protein sequence and biophysical properties (such as structural, functional, and spatial information, amino acid conservation, physicochemical variation, residue mobility, and thermodynamic stability) performed at Invitae indicates that this missense variant is not expected to disrupt PSAT1 protein function with a negative predictive value of 80%. Experimental studies have shown that this missense change does not substantially affect PSAT1 function (PMID: 32077105). In summary, the available evidence is currently insufficient to determine the role of this variant in disease. Therefore, it has been classified as a Variant of Uncertain Significance.

Dudley Research Group, Pacific Northwest Research Institute
No classification provided. Review status: no classification provided. Collection method: research, in vivo. Allele origin: unknown, not applicable. Functional consequence: functionally_normal. Not counted in ClinVar's aggregate classification.

Literature cited by the submitters: PubMed 32077105 (cited by Labcorp Genetics (formerly Invitae), Labcorp).

NM_058179.4(PSAT1):c.348G>C (p.Lys116Asn)

Gene: PSAT1 (phosphoserine aminotransferase 1; plus strand). Cytogenetic location: 9q21.2.
Variant type: single nucleotide variant.
Coding change: c.348G>C on transcript NM_058179.4 (MANE Select); coding-DNA position 348, G replaced by C.
Protein change: p.Lys116Asn; replaces lysine 116 with asparagine.
Molecular consequence: missense variant.
Genome position (GRCh38, 1-based): chr9:78,304,891, G>C. VCF-style: chr9-78304891-G-C. GRCh37 (hg19) VCF-style: chr9-80919807-G-C.
Other names: c.348G>C, p.Lys116Asn (NM_021154.5); short protein forms K116N.
Identifiers: ClinVar variation 976987 (VCV000976987.6), dbSNP rs41277897, ClinGen allele CA5095588.